The following continues an entry in ClinVar:

NM_000049.4(ASPA):c.914C>A (p.Ala305Glu)

ClinVar aggregate classification (germline): Pathogenic. Pathogenic (20).

Submissions 14 to 23 of 23:

GeneDx
Classification: Pathogenic. Last evaluated: 2021-02-09. Review status: criteria provided, single submitter. Criteria: GeneDx Variant Classification Process June 2021. Collection method: clinical testing. Allele origin: germline. Affected: yes.
Comment: Functional analysis found that A305E is associated with significantly reduced enzyme activity compared to wild type (Sommer et al., 2012; Zano et al., 2013); This variant is associated with the following publications: (PMID: 25497124, 30834272, 16217711, 16437572, 28101991, 27927234, 7668285, 22850825, 8023850, 26586007, 21228398, 23233226, 22750302)

Myriad Genetics, Inc.
Classification: Pathogenic for Spongy degeneration of central nervous system. Last evaluated: 2019-11-12. Review status: criteria provided, single submitter. Criteria: Myriad Women's Health Autosomal Recessive and X-Linked Classification Criteria (2019). Collection method: clinical testing. Allele origin: unknown.
Comment: NM_000049.2(ASPA):c.914C>A(A305E) is classified as pathogenic in the context of Canavan disease and can be associated with a severe or mild form of the disease. Sources cited for classification include the following: PMID 22850825, 22750302, 8023850 and 7668285. Classification of NM_000049.2(ASPA):c.914C>A(A305E) is based on the following criteria: This is a well-established pathogenic variant in the literature that has been observed more frequently in patients with clinical diagnoses than in healthy populations. Please note: this variant was assessed in the context of healthy population screening.

Rady Children's Institute for Genomic Medicine, Rady Children's Hospital San Diego
Classification: Pathogenic for CANAVAN DISEASE. Last evaluated: 2019-02-22. Review status: criteria provided, single submitter. Criteria: ACMG Guidelines, 2015. Collection method: clinical testing. Allele origin: germline. Affected: yes. Observed: 1 variant allele.
Comment: This established pathogenic variant has been previously reported as a homozygous and compound heterozygous change in patients with Canavan Disease (PMID: 20301412, 8023850, 10909858). Experimental studies have shown that this variant causes loss of ASPA enzyme activity (PMID: 22750302, 8023850). This variant is present in the heterozygous state in the gnomAD population database at a frequency of 0.02% (57/282352) and thus is presumed to be rare. It affects a highly conserved amino acid and is predicted by multiple in silico tools to have a deleterious effect on protein function. Based on the available evidence, the c.914C>A (p.Ala305Glu) variant is classified as pathogenic.

Illumina Laboratory Services, Illumina
Classification: Pathogenic for Spongy degeneration of central nervous system. Last evaluated: 2018-01-26. Review status: criteria provided, single submitter. Criteria: ICSL Variant Classification Criteria 09 May 2019. Collection method: clinical testing. Allele origin: germline.
Comment: The ASPA c.914C>A (p.Ala305Glu) variant is frequently reported in non-Jewish individuals with Canavan disease (CD). Across a selection of the available literature, the p.Ala305Glu variant has been identified in a homozygous state in eight patients with severe CD, in a compound heterozygous state in five patients with mild to classic CD, and in a heterozygous state in 13 patients in whom a second variant was not identified (Kaul et al. 1994; Shaag et al. 2005; Yalcinkaya et al. 2005; Janson et al. 2006; Sarret et al. 2015; Merrill et al. 2016). Control data are unavailable for this variant, which is reported at a frequency of 0.000372 in the European (non-Finnish) population of the Genome Aggregation Database. Cultured fibroblasts from affected individuals demonstrated negligible (0-5%) ASPA enzymatic activity as compared to fibroblasts from healthy controls (Yalcinkaya et al. 2005; Janson et al. 2006). Significantly reduced ASPA activity was also confirmed in various cell lines (Kaul et al. 1994; Janson et al. 2006; Sommer et al. 2012; Zano et al. 2013). Based on the collective evidence, the p.Ala305Glu variant is classified as pathogenic for Canavan disease. This variant was observed by ICSL as part of a predisposition screen in an ostensibly healthy population.

Women's Health and Genetics/Laboratory Corporation of America, LabCorp
Classification: Pathogenic for Canavan Disease, Familial Form. Last evaluated: 2017-03-23. Review status: criteria provided, single submitter. Criteria: LabCorp Variant Classification Summary - May 2015. Collection method: clinical testing. Allele origin: germline.
Comment: Variant summary: The ASPA c.914C>A (p.Ala305Glu) variant involves the alteration of a conserved nucleotide and 4/4 in silico tools (SNPs&GO not captured due to low reliability index) predict a damaging outcome for this variant. These predictions are supported by a functional study, Kaul_1994, that indicates the variant eliminates ASPA enzyme activity in COS1 transfected cells. The variant of interest was observed in the large, broad control population, ExAC, with an allele frequency of 27/117066 (1/4336), which does not exceed the estimated maximal expected allele frequency for a pathogenic ASPA variant of 1/126. The variant of interest has been reported in multiple affected individuals, both homozygotes and compound heterozygotes. In addition, multiple clinical diagnostic laboratories/reputable databases classified this variant as pathogenic. Taken together, this variant is classified as pathogenic.

Eurofins Ntd Llc (ga)
Classification: Pathogenic. Last evaluated: 2014-07-14. Review status: criteria provided, single submitter. Criteria: EGL Classification Definitions 2015. Collection method: clinical testing. Allele origin: germline. Observed: 2 variant alleles, 2 heterozygotes.

Kariminejad - Najmabadi Pathology & Genetics Center
Classification: Pathogenic for Spongy degeneration of central nervous system. Review status: criteria provided, single submitter. Criteria: ACMG Guidelines, 2015. Collection method: clinical testing. Allele origin: germline. Affected: no.

Division of Human Genetics, Children's Hospital of Philadelphia
Classification: Pathogenic for Spongy degeneration of central nervous system. Last evaluated: 2015-10-03. Review status: no assertion criteria provided. Collection method: research. Allele origin: germline. Study: CSER-PediSeq. Not counted in ClinVar's aggregate classification.

OMIM
Classification: Pathogenic for CANAVAN DISEASE. Last evaluated: 1995-09-01. Review status: no assertion criteria provided. Collection method: literature only. Allele origin: germline. Not counted in ClinVar's aggregate classification.

GeneReviews
No classification provided. Condition: Spongy degeneration of central nervous system. Review status: no classification provided. Collection method: literature only. Allele origin: germline. Not counted in ClinVar's aggregate classification.
Comment: One pathogenic variant, p.Ala305Glu, accounts for 30%-60% of pathogenic variants in non-Ashkenazi Jewish populations and approximately 1% of pathogenic variants in the Ashkenazi Jewish population.

Literature cited by the submitters: PubMed 8023850 (cited by 9 submitters); PubMed 10909858 (cited by 3 submitters); PubMed 16217711 (cited by 3 submitters); PubMed 22850825 (cited by 6 submitters); PubMed 22750302 (cited by 6 submitters); PubMed 16854607 (cited by Natera, Inc.); PubMed 16437572 (cited by 3 submitters); PubMed 7668285 (cited by 5 submitters); PubMed 26586007 (cited by 3billion and Illumina Laboratory Services, Illumina); PubMed 27927234 (cited by 3billion and Illumina Laboratory Services, Illumina); PubMed 8659549 (cited by Ambry Genetics); PubMed 21228398 (cited by Ambry Genetics and Division of Human Genetics, Children's Hospital of Philadelphia); PubMed 23233226 (cited by Ambry Genetics and Division of Human Genetics, Children's Hospital of Philadelphia); PubMed 10407784 (cited by GeneReviews).